The following is an entry in ClinVar:

ClinVar aggregate classification (germline): Uncertain significance (1 of 4 stars; one submission).

Conditions:
Fanconi anemia (FA). Also called: Fanconi's anemia. Identifiers: Orphanet 84, MedGen C0015625, MeSH D005199, MONDO:0019391.

gnomAD v4.1: 2 of 1,582,270 alleles (0.00013%); highest among the groups gnomAD compares: Non-Finnish European, 0.00017%; no homozygotes.

Submission:

Labcorp Genetics (formerly Invitae), Labcorp
Classification: Uncertain significance for Fanconi anemia. Last evaluated: 2022-01-26. Review status: criteria provided, single submitter. Criteria: Invitae Variant Classification Sherloc (09022015). Collection method: clinical testing. Allele origin: germline.
Comment: In summary, the available evidence is currently insufficient to determine the role of this variant in disease. Therefore, it has been classified as a Variant of Uncertain Significance. Algorithms developed to predict the effect of missense changes on protein structure and function are either unavailable or do not agree on the potential impact of this missense change (SIFT: "Tolerated"; PolyPhen-2: "Probably Damaging"; Align-GVGD: "Class C0"). ClinVar contains an entry for this variant (Variation ID: 856178). This variant has not been reported in the literature in individuals affected with SLX4-related conditions. This variant is present in population databases (rs777967898, gnomAD 0.002%). This sequence change replaces arginine, which is basic and polar, with glycine, which is neutral and non-polar, at codon 1445 of the SLX4 protein (p.Arg1445Gly).

NM_032444.4(SLX4):c.4333C>G (p.Arg1445Gly)

Gene: SLX4 (SLX4 structure-specific endonuclease subunit; minus strand). Cytogenetic location: 16p13.3.
Variant type: single nucleotide variant.
Coding change: c.4333C>G on transcript NM_032444.4 (MANE Select); coding-DNA position 4333, C replaced by G.
Protein change: p.Arg1445Gly; replaces arginine 1445 with glycine.
Molecular consequence: missense variant.
Genome position (GRCh38, 1-based): chr16:3,589,305, G>C on the plus strand (C>G on the coding strand, the complement: SLX4 is on the minus strand). VCF-style: chr16-3589305-G-C. GRCh37 (hg19) VCF-style: chr16-3639306-G-C.
Other names: short protein forms R1445G.
Identifiers: ClinVar variation 856178 (VCV000856178.9), dbSNP rs777967898, ClinGen allele CA7865686.